The following is an entry in ClinVar:

ClinVar aggregate classification (germline): Conflicting classifications of pathogenicity. Review status: criteria provided, conflicting classifications (1 of 4 stars). 2 submissions from 2 submitters: Pathogenic (1); Uncertain significance (1). Last evaluated 2022-07-28.

Conditions:
Spastic paraplegia. Identifiers: MedGen C0037772, HP:0001258.
Hereditary spastic paraplegia 5A (SPG5A). Also called: SPASTIC PARAPLEGIA 5A, AUTOSOMAL RECESSIVE. Identifiers: Orphanet 100986, MedGen C1849115, MONDO:0010047, OMIM 270800.

Allele frequency attached by ClinVar (database versions not stated): TOPMed below 0.00001; gnomAD exomes 0.00001; ExAC 0.00002.

Submissions (2):

Labcorp Genetics (formerly Invitae), Labcorp
Classification: Uncertain significance for Spastic paraplegia. Last evaluated: 2022-07-28. Review status: criteria provided, single submitter. Criteria: Invitae Variant Classification Sherloc (09022015). Collection method: clinical testing. Allele origin: germline.
Comment: This sequence change replaces proline, which is neutral and non-polar, with leucine, which is neutral and non-polar, at codon 398 of the CYP7B1 protein (p.Pro398Leu). This variant is present in population databases (rs767611387, gnomAD 0.002%). This variant has not been reported in the literature in individuals affected with CYP7B1-related conditions. ClinVar contains an entry for this variant (Variation ID: 989029). Algorithms developed to predict the effect of missense changes on protein structure and function are either unavailable or do not agree on the potential impact of this missense change (SIFT: "Tolerated"; PolyPhen-2: "Probably Damaging"; Align-GVGD: "Class C0"). In summary, the available evidence is currently insufficient to determine the role of this variant in disease. Therefore, it has been classified as a Variant of Uncertain Significance.

Paris Brain Institute, Inserm - ICM
Classification: Pathogenic for Hereditary spastic paraplegia 5A. Review status: criteria provided, single submitter. Criteria: ACMG Guidelines, 2015. Collection method: clinical testing. Allele origin: unknown. Affected: yes. Observed: 1 variant allele.

NM_004820.5(CYP7B1):c.1193C>T (p.Pro398Leu)

Gene: CYP7B1 (cytochrome P450 family 7 subfamily B member 1; minus strand). Cytogenetic location: 8q12.3.
Variant type: single nucleotide variant.
Coding change: c.1193C>T on transcript NM_004820.5 (MANE Select); coding-DNA position 1193, C replaced by T.
Protein change: p.Pro398Leu; replaces proline 398 with leucine.
Molecular consequence: missense variant.
Genome position (GRCh38, 1-based): chr8:64,604,722, G>A on the plus strand (C>T on the coding strand, the complement: CYP7B1 is on the minus strand). VCF-style: chr8-64604722-G-A. GRCh37 (hg19) VCF-style: chr8-65517279-G-A.
Other names: c.1193C>T, p.Pro398Leu (NM_001324112.2); short protein forms P398L.
Identifiers: ClinVar variation 989029 (VCV000989029.6), dbSNP rs767611387, ClinGen allele CA4764036.